The following is an entry in ClinVar:

ClinVar aggregate classification (germline): Likely benign (1 of 4 stars; one submission).

Allele frequency attached by ClinVar (database versions not stated): gnomAD 0.00001; TOPMed 0.00001.
gnomAD v4.1: 6 of 1,612,772 alleles (0.00037%); highest among the groups gnomAD compares: Non-Finnish European, 0.00051%; no homozygotes.

Submission:

Laboratory for Molecular Medicine, Mass General Brigham Personalized Medicine
Classification: Likely benign. Last evaluated: 2012-03-20. Review status: criteria provided, single submitter. Criteria: LMM Criteria. Collection method: clinical testing. Allele origin: germline. Observed: 1 variant allele.
Comment: 298+10T>C in intron 4 of NEXN: This variant is not expected to have clinical sig nificance because it is not located within the splice consensus sequence. 298+1 0T>C in intron 4 of NEXN (allele frequency = n/a)

NM_144573.4(NEXN):c.298+10T>C

Genes: NEXN (nexilin F-actin binding protein; plus strand), LOC126805765 (BRD4-independent group 4 enhancer GRCh37_chr1:78383688-78384887; plus strand). Cytogenetic location: 1p31.1.
Variant type: single nucleotide variant.
Coding change: c.298+10T>C on transcript NM_144573.4 (MANE Select); 10 bases into the intron after coding-DNA position 298, T replaced by C.
Molecular consequence: intron variant.
Genome position (GRCh38, 1-based): chr1:77,918,048, T>C. VCF-style: chr1-77918048-T-C. GRCh37 (hg19) VCF-style: chr1-78383733-T-C.
Other names: c.106+10T>C (NM_001172309.2).
Identifiers: ClinVar variation 47902 (VCV000047902.5), dbSNP rs397517854, ClinGen allele CA142151.